The following is an entry in ClinVar:

NM_025137.4(SPG11):c.1602+1G>A

Gene: SPG11 (SPG11 vesicle trafficking associated, spatacsin; minus strand). Cytogenetic location: 15q21.1.
Variant type: single nucleotide variant.
Coding change: c.1602+1G>A on transcript NM_025137.4 (MANE Select); the canonical splice donor site of the intron after coding-DNA position 1602, G replaced by A.
Molecular consequence: splice donor variant.
Genome position (GRCh38, 1-based): chr15:44,648,865, C>T on the plus strand (G>A on the coding strand, the complement: SPG11 is on the minus strand). VCF-style: chr15-44648865-C-T. GRCh37 (hg19) VCF-style: chr15-44941063-C-T.
Other names: c.1602+1G>A (NM_001411132.1, NM_001160227.2).
Identifiers: ClinVar variation 2885155 (VCV002885155.4), dbSNP rs2505710044, ClinGen allele CA392235461.

ClinVar aggregate classification (germline): Likely pathogenic. Review status: criteria provided, multiple submitters, no conflicts (2 of 4 stars). 2 submissions from 2 submitters: Likely pathogenic (2). Last evaluated 2024-05-26.

Conditions:
Hereditary spastic paraplegia 11. Also called: Nakamura Osame syndrome; Autosomal recessive hereditary spastic paraplegia, mental impairment, and thin corpus callosum; Spastic paraplegia, mental retardation and thin corpus callosum; Spastic Paraplegia 11; SPASTIC PARAPLEGIA, AUTOSOMAL RECESSIVE, COMPLICATED, WITH THIN CORPUS CALLOSUM; SPASTIC PARAPLEGIA, AUTOSOMAL RECESSIVE, WITH MENTAL IMPAIRMENT AND THIN CORPUS CALLOSUM. Identifiers: Orphanet 2822, MedGen C1858479, MONDO:0011445, OMIM 604360.
Amyotrophic lateral sclerosis type 5 (ALS5). Also called: AMYOTROPHIC LATERAL SCLEROSIS 5, JUVENILE. Identifiers: Orphanet 300605, MedGen C1865864, MONDO:0011196, OMIM 602099.
Charcot-Marie-Tooth disease axonal type 2X. Also called: CHARCOT-MARIE-TOOTH DISEASE, AXONAL, AUTOSOMAL RECESSIVE, TYPE 2X; CHARCOT-MARIE-TOOTH NEUROPATHY, TYPE 2X. Identifiers: Orphanet 466775, MedGen C5569024, MONDO:0014726, OMIM 616668.

gnomAD v4.1: 2 of 1,613,928 alleles (0.00012%); highest among the groups gnomAD compares: Non-Finnish European, 0.00017%; no homozygotes.

Submissions (2):

Fulgent Genetics
Classification: Likely pathogenic for Amyotrophic lateral sclerosis type 5; Hereditary spastic paraplegia 11; Charcot-Marie-Tooth disease axonal type 2X. Last evaluated: 2024-05-26. Review status: criteria provided, single submitter. Criteria: ACMG Guidelines, 2015. Collection method: clinical testing. Allele origin: germline.

Labcorp Genetics (formerly Invitae), Labcorp
Classification: Likely pathogenic for Hereditary spastic paraplegia 11. Last evaluated: 2023-10-03. Review status: criteria provided, single submitter. Criteria: Invitae Variant Classification Sherloc (09022015). Collection method: clinical testing. Allele origin: germline.
Comment: This sequence change affects a donor splice site in intron 7 of the SPG11 gene. It is expected to disrupt RNA splicing. Variants that disrupt the donor or acceptor splice site typically lead to a loss of protein function (PMID: 16199547), and loss-of-function variants in SPG11 are known to be pathogenic (PMID: 19105190, 20110243, 22154821, 26556829). This variant is not present in population databases (gnomAD no frequency). This variant has not been reported in the literature in individuals affected with SPG11-related conditions. Algorithms developed to predict the effect of sequence changes on RNA splicing suggest that this variant may disrupt the consensus splice site. In summary, the currently available evidence indicates that the variant is pathogenic, but additional data are needed to prove that conclusively. Therefore, this variant has been classified as Likely Pathogenic.

Literature cited by the submitters: PubMed 16199547 (cited by Labcorp Genetics (formerly Invitae), Labcorp); PubMed 19105190 (cited by Labcorp Genetics (formerly Invitae), Labcorp); PubMed 20110243 (cited by Labcorp Genetics (formerly Invitae), Labcorp); PubMed 22154821 (cited by Labcorp Genetics (formerly Invitae), Labcorp); PubMed 26556829 (cited by Labcorp Genetics (formerly Invitae), Labcorp).